The following is an entry in ClinVar:

NM_000138.5(FBN1):c.5545+3A>G

Gene: FBN1 (fibrillin 1; minus strand). Cytogenetic location: 15q21.1.
Variant type: single nucleotide variant.
Coding change: c.5545+3A>G on transcript NM_000138.5 (MANE Select); 3 bases into the intron after coding-DNA position 5545, A replaced by G.
Molecular consequence: intron variant.
Genome position (GRCh38, 1-based): chr15:48,452,559, T>C on the plus strand (A>G on the coding strand, the complement: FBN1 is on the minus strand). VCF-style: chr15-48452559-T-C. GRCh37 (hg19) VCF-style: chr15-48744756-T-C.
Other names: c.5545+3A>G (NM_001406716.1).
Identifiers: ClinVar variation 2922046 (VCV002922046.3), dbSNP rs2505470355, ClinGen allele CA2628348109.

ClinVar aggregate classification (germline): Uncertain significance (1 of 4 stars; one submission).

Conditions:
Marfan syndrome (MFS). Also called: MARFAN SYNDROME, TYPE I; Marfan syndrome type 1; Marfan's syndrome; Marfan syndrome, classic; FBN1-Related Marfan Syndrome. Identifiers: Orphanet 284963, Orphanet 558, MedGen C0024796, MONDO:0007947, OMIM 154700.
Familial thoracic aortic aneurysm and aortic dissection (TAAD). Also called: Thoracic aortic aneurysms and dissections. Identifiers: Orphanet 91387, MedGen C4707243, MONDO:0019625.

Allele frequency attached by ClinVar (database versions not stated): gnomAD exomes below 0.00001.
gnomAD v4.1: 1 of 1,614,010 alleles (0.000062%); highest among the groups gnomAD compares: Non-Finnish European, 0.000085%; no homozygotes.

Submission:

Labcorp Genetics (formerly Invitae), Labcorp
Classification: Uncertain significance for Marfan syndrome; Familial thoracic aortic aneurysm and aortic dissection. Last evaluated: 2023-10-10. Review status: criteria provided, single submitter. Criteria: Invitae Variant Classification Sherloc (09022015). Collection method: clinical testing. Allele origin: germline.
Comment: This sequence change falls in intron 45 of the FBN1 gene. It does not directly change the encoded amino acid sequence of the FBN1 protein. It affects a nucleotide within the consensus splice site. This variant is not present in population databases (gnomAD no frequency). This variant has not been reported in the literature in individuals affected with FBN1-related conditions. Variants that disrupt the consensus splice site are a relatively common cause of aberrant splicing (PMID: 17576681, 9536098). Algorithms developed to predict the effect of sequence changes on RNA splicing suggest that this variant may create or strengthen a splice site. In summary, the available evidence is currently insufficient to determine the role of this variant in disease. Therefore, it has been classified as a Variant of Uncertain Significance.

Literature cited by the submitters: PubMed 17576681; PubMed 9536098.